The following is an entry in ClinVar:

NM_002382.5(MAX):c.178C>T (p.Arg60Trp)

Gene: MAX (MYC associated transcriptional regulator X; minus strand). Cytogenetic location: 14q23.3.
Variant type: single nucleotide variant.
Coding change: c.178C>T on transcript NM_002382.5 (MANE Select); coding-DNA position 178, C replaced by T.
Protein change: p.Arg60Trp; replaces arginine 60 with tryptophan.
Molecular consequence: missense variant. On other transcripts: 5 prime UTR variant (1), intron variant (2).
Genome position (GRCh38, 1-based): chr14:65,078,030, G>A on the plus strand (C>T on the coding strand, the complement: MAX is on the minus strand). VCF-style: chr14-65078030-G-A. GRCh37 (hg19) VCF-style: chr14-65544748-G-A.
Other names: c.-97C>T (NM_001320415.2, NM_001407105.1, NM_001407106.1 and 1 more transcripts); c.178C>T, p.Arg60Trp (NM_001407094.1, NM_001407096.1, NM_001407097.1 and 3 more transcripts); c.151C>T, p.Arg51Trp (NM_001407095.1, NM_001407099.1, NM_001407100.1 and 6 more transcripts); c.70C>T, p.Arg24Trp (NM_001407098.1); c.-190C>T (NM_001407111.1, NM_001407112.1); c.144+15678C>T (NM_001271069.2); c.171+15678C>T (NM_197957.4); short protein forms R60W, R51W, R24W.
Identifiers: ClinVar variation 947847 (VCV000947847.10), dbSNP rs2063106124, ClinGen allele CA390035992.

ClinVar aggregate classification (germline): Uncertain significance (1 of 4 stars; one submission).

Conditions:
Hereditary pheochromocytoma and paraganglioma. Also called: Hereditary pheochromocytoma-paraganglioma; Hereditary Paraganglioma-Pheochromocytoma Syndromes; Hereditary paragangliomas and pheochromocytomas. Identifiers: Orphanet 29072, MedGen C4274332, MONDO:0017366.

Submission:

Labcorp Genetics (formerly Invitae), Labcorp
Classification: Uncertain significance for Hereditary pheochromocytoma and paraganglioma. Last evaluated: 2019-06-15. Review status: criteria provided, single submitter. Criteria: Invitae Variant Classification Sherloc (09022015). Collection method: clinical testing. Allele origin: germline.
Comment: This variant has been observed in an individual with clinical features of hereditary paraganglioma-pheochromocytoma (PGL-PCC) syndrome (PMID: 22452945). This variant has been reported to have conflicting or insufficient data to determine the effect on MAX protein function (PMID: 26070438). In summary, the available evidence is currently insufficient to determine the role of this variant in disease. Therefore, it has been classified as a Variant of Uncertain Significance. This variant is not present in population databases (ExAC no frequency). This sequence change replaces arginine with tryptophan at codon 60 of the MAX protein (p.Arg60Trp). The arginine residue is highly conserved and there is a moderate physicochemical difference between arginine and tryptophan.

Literature cited by the submitters: PubMed 22452945; PubMed 26070438.